The following is an entry in ClinVar:

NM_003673.4(TCAP):c.353C>T (p.Ala118Val)

Gene: TCAP (titin-cap; plus strand). Cytogenetic location: 17q12.
Variant type: single nucleotide variant.
Coding change: c.353C>T on transcript NM_003673.4 (MANE Select); coding-DNA position 353, C replaced by T.
Protein change: p.Ala118Val; replaces alanine 118 with valine.
Molecular consequence: missense variant.
Genome position (GRCh38, 1-based): chr17:39,665,958, C>T. VCF-style: chr17-39665958-C-T. GRCh37 (hg19) VCF-style: chr17-37822211-C-T.
Other names: p.A118V:GCG>GTG; short protein forms A118V.
Identifiers: ClinVar variation 202105 (VCV000202105.31), dbSNP rs143233087, ClinGen allele CA308826.

ClinVar aggregate classification (germline): Conflicting classifications of pathogenicity. Review status: criteria provided, conflicting classifications (1 of 4 stars). 9 submissions from 9 submitters: Uncertain significance (4); Likely benign (4). 1 of the submissions does not count toward it. Last evaluated 2026-05-30.

Conditions:
Cardiovascular phenotype. Identifiers: MedGen CN230736.
TCAP-related disorder. Also called: TCAP-related condition.
Primary familial hypertrophic cardiomyopathy (HCM). Identifiers: Orphanet 99739, MedGen C0949658, MeSH D024741, MONDO:0024573. Inheritance: Various modes of inheritance.
Hypertrophic cardiomyopathy 25 (CMH25). Also called: CARDIOMYOPATHY, FAMILIAL HYPERTROPHIC, 25. Identifiers: MedGen C4225408, MONDO:0011843, OMIM 607487.
Cardiomyopathy (CMYO). Also called: Cardiomyopathies. Identifiers: Orphanet 167848, MedGen C0878544, MONDO:0004994, HP:0001638. Inheritance: Various modes of inheritance.
Hypertrophic cardiomyopathy 1 (CMH1). Also called: Familial hypertrophic cardiomyopathy 1; MYH7-Related Familial Hypertrophic Cardiomyopathy. Identifiers: MedGen C3495498, MONDO:0008647, OMIM 192600.

Allele frequency attached by ClinVar (database versions not stated): gnomAD exomes 0.00023 and 0.00010; gnomAD 0.00092 and 0.00084; 1000 Genomes Project 30x 0.00094; TOPMed 0.00082; ExAC 0.00025; ESP Exome Variant Server 0.00077; 1000 Genomes Project 0.00100.
gnomAD v4.1: 283 of 1,612,990 alleles (0.018%); highest among the groups gnomAD compares: African/African-American, 0.27%; 2 homozygotes.

Submissions (9):

Women's Health and Genetics/Laboratory Corporation of America, LabCorp
Classification: Likely benign. Last evaluated: 2026-05-30. Review status: criteria provided, single submitter. Criteria: LabCorp Variant Classification Summary - May 2015. Collection method: clinical testing. Allele origin: germline.

Labcorp Genetics (formerly Invitae), Labcorp
Classification: Likely benign for Hypertrophic cardiomyopathy 25; Primary familial hypertrophic cardiomyopathy. Last evaluated: 2026-02-03. Review status: criteria provided, single submitter. Criteria: Invitae Variant Classification Sherloc (09022015). Collection method: clinical testing. Allele origin: germline.

GeneDx
Classification: Likely benign. Last evaluated: 2021-02-02. Review status: criteria provided, single submitter. Criteria: GeneDx Variant Classification Process June 2021. Collection method: clinical testing. Allele origin: germline. Affected: yes.
Comment: This variant is associated with the following publications: (PMID: 24037902, 25351510, 26220970)

Molecular Diagnostic Laboratory for Inherited Cardiovascular Disease, Montreal Heart Institute
Classification: Uncertain significance for Hypertrophic cardiomyopathy 1. Last evaluated: 2019-12-30. Review status: criteria provided, single submitter. Criteria: ACMG Guidelines, 2015. Collection method: clinical testing. Allele origin: germline. Affected: yes.

Ambry Genetics
Classification: Likely benign for Cardiovascular phenotype. Last evaluated: 2018-05-21. Review status: criteria provided, single submitter. Criteria: Ambry Variant Classification Scheme 2023. Collection method: clinical testing. Allele origin: germline.

Eurofins Ntd Llc (ga)
Classification: Uncertain significance. Last evaluated: 2017-12-26. Review status: criteria provided, single submitter. Criteria: EGL Classification Definitions 2015. Collection method: clinical testing. Allele origin: germline. Observed: 10 variant alleles, 10 heterozygotes.

Athena Diagnostics
Classification: Uncertain significance. Last evaluated: 2017-10-25. Review status: criteria provided, single submitter. Criteria: Athena Diagnostics Criteria. Collection method: clinical testing. Allele origin: germline.

CHEO Genetics Diagnostic Laboratory, Children's Hospital of Eastern Ontario
Classification: Uncertain significance for Cardiomyopathy. Last evaluated: 2015-11-03. Review status: criteria provided, single submitter. Criteria: ACMG Guidelines, 2015. Collection method: clinical testing. Allele origin: germline. Study: Canadian Open Genetics Repository.

PreventionGenetics, part of Exact Sciences
Classification: Likely benign for TCAP-related condition. Last evaluated: 2022-10-24. Review status: no assertion criteria provided. Collection method: clinical testing. Allele origin: germline. Not counted in ClinVar's aggregate classification.
Comment: This variant is classified as likely benign based on ACMG/AMP sequence variant interpretation guidelines (Richards et al. 2015 PMID: 25741868, with internal and published modifications).

Literature cited by the submitters: PubMed 24037902 (cited by Ambry Genetics and Athena Diagnostics).